The following is an entry in ClinVar:

NM_015072.5(TTLL5):c.1963C>T (p.Leu655=)

Gene: TTLL5 (tubulin tyrosine ligase like 5; plus strand). Cytogenetic location: 14q24.3.
Variant type: single nucleotide variant.
Coding change: c.1963C>T on transcript NM_015072.5 (MANE Select); coding-DNA position 1963, C replaced by T.
Protein change: p.Leu655=; no amino-acid change (leucine 655 retained).
Molecular consequence: synonymous variant.
Genome position (GRCh38, 1-based): chr14:75,766,316, C>T. VCF-style: chr14-75766316-C-T. GRCh37 (hg19) VCF-style: chr14-76232659-C-T.
Identifiers: ClinVar variation 716777 (VCV000716777.39), dbSNP rs142427449, ClinGen allele CA7279560.

ClinVar aggregate classification (germline): Benign/Likely benign. Review status: criteria provided, multiple submitters, no conflicts (2 of 4 stars). 6 submissions from 6 submitters: Benign (2); Likely benign (2). 2 of the submissions do not count toward it. Last evaluated 2026-02-01.

Allele frequency attached by ClinVar (database versions not stated): 1000 Genomes Project 0.00060; 1000 Genomes Project 30x 0.00078; gnomAD 0.00316 and 0.00320; ExAC 0.00336; gnomAD exomes 0.00347 and 0.00361; TOPMed 0.00349; ESP Exome Variant Server 0.00384.
gnomAD v4.1: 5,833 of 1,613,830 alleles (0.36%); highest among the groups gnomAD compares: Middle Eastern, 0.86%; 12 homozygotes.

Submissions (6):

Labcorp Genetics (formerly Invitae), Labcorp
Classification: Benign. Last evaluated: 2026-02-01. Review status: criteria provided, single submitter. Criteria: Invitae Variant Classification Sherloc (09022015). Collection method: clinical testing. Allele origin: germline.

CeGaT Center for Human Genetics Tuebingen
Classification: Likely benign. Last evaluated: 2025-09-01. Review status: criteria provided, single submitter. Criteria: CeGaT Center For Human Genetics Tuebingen Variant Classification Criteria Version 2. Collection method: clinical testing. Allele origin: germline. Affected: yes. Observed: 8 variant alleles.
Comment: TTLL5: BP4, BP7

Blueprint Genetics
Classification: Likely benign. Last evaluated: 2024-11-27. Review status: criteria provided, single submitter. Criteria: ACMG Guidelines, 2015. Collection method: clinical testing. Allele origin: germline.

Breakthrough Genomics
Classification: Benign. Review status: criteria provided, single submitter. Criteria: ACMG Guidelines, 2015. Collection method: not provided. Allele origin: germline. Inheritance: Autosomal recessive inheritance. Affected: yes.

Clinical Genetics DNA and cytogenetics Diagnostics Lab, Erasmus MC, Erasmus Medical Center
Classification: Likely benign. Review status: no assertion criteria provided. Collection method: clinical testing. Allele origin: germline. Affected: yes. Study: VKGL Data-share Consensus. Not counted in ClinVar's aggregate classification.

Clinical Genetics, Academic Medical Center
Classification: Likely benign. Review status: no assertion criteria provided. Collection method: clinical testing. Allele origin: germline. Affected: yes. Study: VKGL Data-share Consensus. Not counted in ClinVar's aggregate classification.